The following is an entry in ClinVar:

ClinVar aggregate classification (germline): Uncertain significance (1 of 4 stars; one submission).

Submission:

Ambry Genetics
Classification: Uncertain significance. Last evaluated: 2024-07-27. Review status: criteria provided, single submitter. Criteria: Ambry Variant Classification Scheme 2023. Collection method: clinical testing. Allele origin: germline.
Comment: The p.N561H variant (also known as c.1681A>C), located in coding exon 16 of the PRKDC gene, results from an A to C substitution at nucleotide position 1681. The asparagine at codon 561 is replaced by histidine, an amino acid with similar properties. This amino acid position is conserved. In addition, this alteration is predicted to be tolerated by in silico analysis. Based on the available evidence, the clinical significance of this variant remains unclear.

NM_006904.7(PRKDC):c.1681A>C (p.Asn561His)

Gene: PRKDC (protein kinase, DNA-activated, catalytic subunit; minus strand). Cytogenetic location: 8q11.21.
Variant type: single nucleotide variant.
Coding change: c.1681A>C on transcript NM_006904.7 (MANE Select); coding-DNA position 1681, A replaced by C.
Protein change: p.Asn561His; replaces asparagine 561 with histidine.
Molecular consequence: missense variant.
Genome position (GRCh38, 1-based): chr8:47,933,115, T>G on the plus strand (A>C on the coding strand, the complement: PRKDC is on the minus strand). VCF-style: chr8-47933115-T-G. GRCh37 (hg19) VCF-style: chr8-48845675-T-G.
Other names: c.1681A>C, p.Asn561His (NM_001081640.2); short protein forms N561H.
Identifiers: ClinVar variation 3425280 (VCV003425280.1).
Genomic context (GRCh38, chr8:47,933,115, plus strand): 5'-GATCCAATTTCTCAACAATCTTCAAAACGGATTTTACAAATTCATCATAAAGTAAATGAT[T>G]CAGACTTTCACTGGAGGAATTCACAGAGAAAAATGCTTCATCTGCTAAAATAGAATCCTT-3'
Protein context (NP_008835.5, residues 551-571): FSVNSSSESL[Asn561His]HLLYDEFVKS